The following is an entry in ClinVar:

ClinVar aggregate classification (germline): Likely benign. Review status: criteria provided, multiple submitters, no conflicts (2 of 4 stars). 2 submissions from 2 submitters: Likely benign (2). Last evaluated 2025-03-07.

Conditions:
Left ventricular noncompaction 8 (LVNC8). Identifiers: Orphanet 154, Orphanet 54260, MedGen C3809288, MONDO:0014152, OMIM 615373.

gnomAD v4.1: 19 of 1,613,650 alleles (0.0012%); highest among the groups gnomAD compares: Admixed American, 0.0033%; no homozygotes.

Submissions (2):

Women's Health and Genetics/Laboratory Corporation of America, LabCorp
Classification: Likely benign. Last evaluated: 2025-03-07. Review status: criteria provided, single submitter. Criteria: LabCorp Variant Classification Summary - May 2015. Collection method: clinical testing. Allele origin: germline.
Comment: Variant summary: PRDM16 c.1731G>A alters a conserved nucleotide resulting in a synonymous change. Consensus agreement among computation tools predict no significant impact on normal splicing. However, these predictions have yet to be confirmed by functional studies. The variant allele was found at a frequency of 4e-06 in 248686 control chromosomes. The available data on variant occurrences in the general population are insufficient to allow any conclusion about variant significance. To our knowledge, no occurrence of c.1731G>A in individuals affected with Cardiomyopathy and no experimental evidence demonstrating its impact on protein function have been reported. ClinVar contains an entry for this variant (Variation ID: 3707743). Based on the evidence outlined above, the variant was classified as likely benign.

Labcorp Genetics (formerly Invitae), Labcorp
Classification: Likely benign for Left ventricular noncompaction 8. Last evaluated: 2024-11-27. Review status: criteria provided, single submitter. Criteria: Invitae Variant Classification Sherloc (09022015). Collection method: clinical testing. Allele origin: germline.

NM_022114.4(PRDM16):c.1731G>A (p.Glu577=)

Gene: PRDM16 (PR/SET domain 16; plus strand). Cytogenetic location: 1p36.32.
Variant type: single nucleotide variant.
Coding change: c.1731G>A on transcript NM_022114.4 (MANE Select); coding-DNA position 1731, G replaced by A.
Protein change: p.Glu577=; no amino-acid change (glutamic acid 577 retained).
Molecular consequence: synonymous variant.
Genome position (GRCh38, 1-based): chr1:3,411,928, G>A. VCF-style: chr1-3411928-G-A. GRCh37 (hg19) VCF-style: chr1-3328492-G-A.
Other names: c.1731G>A, p.Glu577= (NM_199454.3).
Identifiers: ClinVar variation 3707743 (VCV003707743.3).